The following is an entry in ClinVar:

NM_014714.4(IFT140):c.1741G>A (p.Gly581Arg)

Gene: IFT140 (intraflagellar transport 140; minus strand). Cytogenetic location: 16p13.3.
Variant type: single nucleotide variant.
Coding change: c.1741G>A on transcript NM_014714.4 (MANE Select); coding-DNA position 1741, G replaced by A.
Protein change: p.Gly581Arg; replaces glycine 581 with arginine.
Molecular consequence: missense variant.
Genome position (GRCh38, 1-based): chr16:1,568,246, C>T on the plus strand (G>A on the coding strand, the complement: IFT140 is on the minus strand). VCF-style: chr16-1568246-C-T. GRCh37 (hg19) VCF-style: chr16-1618247-C-T.
Other names: short protein forms G581R.
Identifiers: ClinVar variation 1007378 (VCV001007378.6), dbSNP rs532971915, ClinGen allele CA7814165.

ClinVar aggregate classification (germline): Uncertain significance (1 of 4 stars; one submission).

Conditions:
Saldino-Mainzer syndrome (SRTD9). Also called: CONORENAL SYNDROME; Renal dysplasia, retinal pigmentary dystrophy, cerebellar ataxia and skeletal dysplasia; short-rib thoracic dysplasia 9 with or without polydactyly; SHORT-RIB THORACIC DYSPLASIA 9 WITHOUT POLYDACTYLY. Identifiers: Orphanet 140969, MedGen C1849437, MONDO:0009964, OMIM 266920.

Allele frequency attached by ClinVar (database versions not stated): TOPMed below 0.00001; ExAC 0.00001; gnomAD 0.00001; gnomAD exomes 0.00001; 1000 Genomes Project 30x 0.00016; 1000 Genomes Project 0.00020.
gnomAD v4.1: 8 of 1,609,490 alleles (0.0005%); highest among the groups gnomAD compares: Middle Eastern, 0.017%; no homozygotes.

Submission:

Labcorp Genetics (formerly Invitae), Labcorp
Classification: Uncertain significance for Saldino-Mainzer syndrome. Last evaluated: 2021-08-27. Review status: criteria provided, single submitter. Criteria: Invitae Variant Classification Sherloc (09022015). Collection method: clinical testing. Allele origin: germline.
Comment: This sequence change replaces glycine with arginine at codon 581 of the IFT140 protein (p.Gly581Arg). The glycine residue is highly conserved and there is a moderate physicochemical difference between glycine and arginine. This variant is present in population databases (rs532971915, ExAC 0.02%). This variant has not been reported in the literature in individuals affected with IFT140-related conditions. Algorithms developed to predict the effect of missense changes on protein structure and function are either unavailable or do not agree on the potential impact of this missense change (SIFT: "Deleterious"; PolyPhen-2: "Probably Damaging"; Align-GVGD: "Class C0"). In summary, the available evidence is currently insufficient to determine the role of this variant in disease. Therefore, it has been classified as a Variant of Uncertain Significance.